The following is an entry in ClinVar:

NM_000369.5(TSHR):c.*172C>A

Genes: TSHR (thyroid stimulating hormone receptor; plus strand), TSHR-AS1 (TSHR antisense RNA 1; minus strand). Cytogenetic location: 14q31.1.
Variant type: single nucleotide variant.
Coding change: c.*172C>A on transcript NM_000369.5 (MANE Select); 172 bases downstream of the stop codon, C replaced by A.
Molecular consequence: 3 prime UTR variant.
Genome position (GRCh38, 1-based): chr14:81,144,525, C>A. VCF-style: chr14-81144525-C-A. GRCh37 (hg19) VCF-style: chr14-81610869-C-A.
Identifiers: ClinVar variation 314703 (VCV000314703.6), dbSNP rs2268477, ClinGen allele CA10645133.
Genomic context (GRCh38, chr14:81,144,525, plus strand): 5'-AGGCGATGTTTCAATGTTTCATGGGGCAAGAGTTTATCTCTGGAGAGTGATTAGTATTAA[C>A]CTAATCATTGCCCCCAAGAAGGAAGTTAGGCTACCAGCATATTTGAATGCCAGGTGAAAT-3'

ClinVar aggregate classification (germline): Benign. Review status: criteria provided, multiple submitters, no conflicts (2 of 4 stars). 3 submissions from 2 submitters: Benign (3). Last evaluated 2018-01-12.

Conditions:
Hypothyroidism due to TSH receptor mutations. Also called: HYPOTHYROIDISM DUE TO UNRESPONSIVENESS TO THYROTROPIN; HYPOTHYROIDISM, CONGENITAL, DUE TO TSH RESISTANCE; HYPOTHYROIDISM, NONAUTOIMMUNE; THYROID-STIMULATING HORMONE, RESISTANCE TO; TSH RESISTANCE; Hypothyroidism, congenital, nongoitrous, 1. Identifiers: Orphanet 90673, MedGen C3493776, MONDO:0010142, OMIM 275200.
Familial hyperthyroidism due to mutations in TSH receptor. Also called: HYPERTHYROIDISM, CONGENITAL NONAUTOIMMUNE; HYPERTHYROIDISM, NONAUTOIMMUNE, AUTOSOMAL DOMINANT; TOXIC THYROID HYPERPLASIA, AUTOSOMAL DOMINANT. Identifiers: Orphanet 424, MedGen C1836706, MONDO:0012203, OMIM 609152.

Allele frequency attached by ClinVar (database versions not stated): gnomAD 0.16427 and 0.16607; TOPMed 0.17341; 1000 Genomes Project 0.24321; 1000 Genomes Project 30x 0.24360.
gnomAD v4.1: 92,249 of 691,108 alleles (13%); highest among the groups gnomAD compares: East Asian, 37%; 9,314 homozygotes.

Submissions (3):

Illumina Laboratory Services, Illumina
Classification: Benign for Familial hyperthyroidism due to mutations in TSH receptor. Last evaluated: 2018-01-12. Review status: criteria provided, single submitter. Criteria: ICSL Variant Classification Criteria 13 December 2019. Collection method: clinical testing. Allele origin: germline.
Comment: This variant was observed in the ICSL laboratory as part of a predisposition screen in an ostensibly healthy population. It had not been previously curated by ICSL or reported in the Human Gene Mutation Database (HGMD: prior to June 1st, 2018), and was therefore a candidate for classification through an automated scoring system. Utilizing variant allele frequency, disease prevalence and penetrance estimates, and inheritance mode, an automated score was calculated to assess if this variant is too frequent to cause the disease. Based on the score and internal cut-off values, a variant classified as benign is not then subjected to further curation. The score for this variant resulted in a classification of benign for this disease.

Illumina Laboratory Services, Illumina
Classification: Benign for Hypothyroidism due to TSH receptor mutations. Last evaluated: 2018-01-12. Review status: criteria provided, single submitter. Criteria: ICSL Variant Classification Criteria 13 December 2019. Collection method: clinical testing. Allele origin: germline.
Comment: the same text as in the submission from Illumina Laboratory Services, Illumina above.

Breakthrough Genomics
Classification: Benign. Review status: criteria provided, single submitter. Criteria: ACMG Guidelines, 2015. Collection method: not provided. Allele origin: germline. Inheritance: Autosomal recessive inheritance. Affected: yes.